The following is an entry in ClinVar:

NM_197968.4(ZMYM2):c.2029_2030delinsG (p.Ile677fs)

Gene: ZMYM2 (zinc finger MYM-type containing 2; plus strand). Cytogenetic location: 13q12.11.
Variant type: Indel.
Coding change: c.2029_2030delinsG on transcript NM_197968.4 (MANE Select); coding-DNA positions 2029 to 2030, AT replaced by G.
Protein change: p.Ile677fs; shifts the reading frame from isoleucine 677.
Molecular consequence: frameshift variant. On other transcripts: non-coding transcript variant (1).
Genome position (GRCh38, 1-based): chr13:20,034,314-20,034,315, AT replaced by G. VCF-style: chr13-20034314-AT-G. GRCh37 (hg19) VCF-style: chr13-20608454-AT-G.
Other names: c.2029_2030delinsG, p.Ile677fs (NM_001190964.4, NM_001190965.4, NM_001353157.2 and 5 more transcripts); c.1834_1835delinsG, p.Ile612fs (NM_001353161.3); c.1768_1769delinsG, p.Ile590fs (NM_001353163.2); short protein forms I677fs, I612fs, I590fs.
Identifiers: ClinVar variation 5001740 (VCV005001740.1).

ClinVar aggregate classification (germline): Likely pathogenic (1 of 4 stars; one submission).

Conditions:
ZMYM2-related disorder. Also called: ZMYM2-related condition.

Submission:

PreventionGenetics, part of Exact Sciences
Classification: Likely pathogenic for ZMYM2-related condition. Last evaluated: 2025-03-26. Review status: criteria provided, single submitter. Criteria: ACMG Guidelines, 2015. Collection method: clinical testing. Allele origin: germline.
Comment: The ZMYM2 c.2029_2030delinsG variant is predicted to result in a frameshift and premature protein termination (p.Ile677Glufs*18). To our knowledge, this variant has not been reported in the literature or in a large population database (gnomAD), indicating this variant is rare. Frameshift variants in ZMYM2 are expected to be pathogenic. This variant is interpreted as likely pathogenic.